The following is an entry in ClinVar:

ClinVar aggregate classification (germline): Benign. Review status: criteria provided, single submitter (1 of 4 stars). 2 submissions from 1 submitter: Benign (2). Last evaluated 2018-01-13.

Conditions:
Tietz syndrome (TADS). Also called: ALBINISM-DEAFNESS OF TIETZ; HYPOPIGMENTATION/DEAFNESS OF TIETZ; TIETZ ALBINISM-DEAFNESS SYNDROME. Identifiers: Orphanet 42665, MedGen C0391816, MONDO:0007077, OMIM 103500.
Waardenburg syndrome type 2A (WS2A). Also called: WAARDENBURG SYNDROME WITHOUT DYSTOPIA CANTHORUM. Identifiers: Orphanet 3440, MedGen C1860339, MONDO:0008671, OMIM 193510.

Allele frequency attached by ClinVar (database versions not stated): 1000 Genomes Project 0.00120; 1000 Genomes Project 30x 0.00125; gnomAD 0.00174; TOPMed 0.00187; gnomAD exomes 0.00257.
gnomAD v4.1: 476 of 232,848 alleles (0.2%); highest among the groups gnomAD compares: Non-Finnish European, 0.3%; 1 homozygote.

Submissions (2):

Illumina Laboratory Services, Illumina
Classification: Benign for Waardenburg syndrome type 2A. Last evaluated: 2018-01-13. Review status: criteria provided, single submitter. Criteria: ICSL Variant Classification Criteria 13 December 2019. Collection method: clinical testing. Allele origin: germline.
Comment: This variant was observed in the ICSL laboratory as part of a predisposition screen in an ostensibly healthy population. It had not been previously curated by ICSL or reported in the Human Gene Mutation Database (HGMD: prior to June 1st, 2018), and was therefore a candidate for classification through an automated scoring system. Utilizing variant allele frequency, disease prevalence and penetrance estimates, and inheritance mode, an automated score was calculated to assess if this variant is too frequent to cause the disease. Based on the score and internal cut-off values, a variant classified as benign is not then subjected to further curation. The score for this variant resulted in a classification of benign for this disease.

Illumina Laboratory Services, Illumina
Classification: Benign for Tietz syndrome. Last evaluated: 2018-01-13. Review status: criteria provided, single submitter. Criteria: ICSL Variant Classification Criteria 13 December 2019. Collection method: clinical testing. Allele origin: germline.
Comment: the same text as in the submission from Illumina Laboratory Services, Illumina above.

NM_001354604.2(MITF):c.*2924C>T

Gene: MITF (melanocyte inducing transcription factor; plus strand). Cytogenetic location: 3p13.
Variant type: single nucleotide variant.
Coding change: c.*2924C>T on transcript NM_001354604.2 (MANE Select); 2924 bases downstream of the stop codon, C replaced by T.
Molecular consequence: 3 prime UTR variant.
Genome position (GRCh38, 1-based): chr3:69,968,172, C>T. VCF-style: chr3-69968172-C-T. GRCh37 (hg19) VCF-style: chr3-70017323-C-T.
Other names: c.*2924C>T (NM_000248.4, NM_001184967.2, NM_001354605.2 and 8 more transcripts).
Identifiers: ClinVar variation 902407 (VCV000902407.4), dbSNP rs151043552, ClinGen allele CA77003833.
Genomic context (GRCh38, chr3:69,968,172, plus strand): 5'-TCAATAACAGTATAAAACAGCCCTATTTCTTGATAAAAAATGACAAATGACTGTCTCTTG[C>T]GGATGCTTGGTACTGTAATGTTAATAATAGTCACCTGCTGTTGGATGCAGCAATAATTTC-3'